The following is an entry in ClinVar:

NM_001098511.3(KIF2A):c.382T>C (p.Ser128Pro)

Gene: KIF2A (kinesin family member 2A; plus strand). Cytogenetic location: 5q12.1.
Variant type: single nucleotide variant.
Coding change: c.382T>C on transcript NM_001098511.3 (MANE Select); coding-DNA position 382, T replaced by C.
Protein change: p.Ser128Pro; replaces serine 128 with proline.
Molecular consequence: missense variant.
Genome position (GRCh38, 1-based): chr5:62,352,635, T>C. VCF-style: chr5-62352635-T-C. GRCh37 (hg19) VCF-style: chr5-61648462-T-C.
Other names: c.301T>C, p.Ser101Pro (NM_001243952.2); c.382T>C, p.Ser128Pro (NM_001243953.2, NM_004520.5); short protein forms S128P, S101P.
Identifiers: ClinVar variation 523636 (VCV000523636.17), dbSNP rs138408434, ClinGen allele CA3278773.
Genomic context (GRCh38, chr5:62,352,635, plus strand): 5'-TTTTTACTTACAGTGGTTGGTTCAGCACGTGCACGGCCCAGTCAATTTCCTGAACAGTCT[T>C]CCTCTGCACAACAGAATGGTAGTGTTTCAGATATATCTCCAGTTCAAGCTGCAAAAAAGG-3'
Protein context (NP_001091981.1, residues 118-138): ARPSQFPEQS[Ser128Pro]SAQQNGSVSD

ClinVar aggregate classification (germline): Benign/Likely benign. Review status: criteria provided, multiple submitters, no conflicts (2 of 4 stars). 6 submissions from 6 submitters: Benign (3); Likely benign (1). 2 of the submissions do not count toward it. Last evaluated 2026-01-19.

Conditions:
Complex cortical dysplasia with other brain malformations 3. Identifiers: MedGen C3809414, MONDO:0014170, OMIM 615411.
Inborn genetic diseases. Identifiers: MedGen C0950123, MeSH D030342.
KIF2A-related disorder. Also called: KIF2A-related condition.

Allele frequency attached by ClinVar (database versions not stated): gnomAD 0.00068 and 0.00067; 1000 Genomes Project 0.00100; gnomAD exomes 0.00050 and 0.00103; ESP Exome Variant Server 0.00108; TOPMed 0.00073; 1000 Genomes Project 30x 0.00094; ExAC 0.00149.
gnomAD v4.1: 893 of 1,606,128 alleles (0.056%); highest among the groups gnomAD compares: South Asian, 0.12%; 4 homozygotes.

Submissions (6):

Labcorp Genetics (formerly Invitae), Labcorp
Classification: Benign. Last evaluated: 2026-01-19. Review status: criteria provided, single submitter. Criteria: Invitae Variant Classification Sherloc (09022015). Collection method: clinical testing. Allele origin: germline.

Ambry Genetics
Classification: Likely benign for Inborn genetic diseases. Last evaluated: 2023-12-20. Review status: criteria provided, single submitter. Criteria: Ambry Variant Classification Scheme 2023. Collection method: clinical testing. Allele origin: germline.

GeneDx
Classification: Benign. Last evaluated: 2020-12-03. Review status: criteria provided, single submitter. Criteria: GeneDx Variant Classification Process June 2021. Collection method: clinical testing. Allele origin: germline. Affected: yes.

Breakthrough Genomics
Classification: Benign. Review status: criteria provided, single submitter. Criteria: ACMG Guidelines, 2015. Collection method: not provided. Allele origin: germline. Inheritance: Autosomal dominant inheritance. Affected: yes.

PreventionGenetics, part of Exact Sciences
Classification: Benign for KIF2A-related condition. Last evaluated: 2023-12-04. Review status: no assertion criteria provided. Collection method: clinical testing. Allele origin: germline. Not counted in ClinVar's aggregate classification.
Comment: This variant is classified as benign based on ACMG/AMP sequence variant interpretation guidelines (Richards et al. 2015 PMID: 25741868, with internal and published modifications).

Foundation for Research in Genetics and Endocrinology, FRIGE's Institute of Human Genetics
Classification: Uncertain significance for Complex cortical dysplasia with other brain malformations 3. Last evaluated: 2017-12-08. Review status: no assertion criteria provided. Collection method: clinical testing. Allele origin: germline. Inheritance: Autosomal dominant inheritance. Affected: yes. Observed: 1 variant allele, 1 heterozygote. Not counted in ClinVar's aggregate classification.
Comment: The observed variant c.382T>C (p.S128P) has a minor allele frequency of 0.1% in The 1000 Genomes database and 0.15% in ExAC databases. The in silico prediction of the variant is damaging by MutationTaster2.